The following is an entry in ClinVar:

NM_018557.3(LRP1B):c.8031A>G (p.Gln2677=)

Gene: LRP1B (LDL receptor related protein 1B; minus strand). Cytogenetic location: 2q22.1.
Variant type: single nucleotide variant.
Coding change: c.8031A>G on transcript NM_018557.3 (MANE Select); coding-DNA position 8031, A replaced by G.
Protein change: p.Gln2677=; no amino-acid change (glutamine 2677 retained).
Molecular consequence: synonymous variant.
Genome position (GRCh38, 1-based): chr2:140,517,007, T>C on the plus strand (A>G on the coding strand, the complement: LRP1B is on the minus strand). VCF-style: chr2-140517007-T-C. GRCh37 (hg19) VCF-style: chr2-141274576-T-C.
Identifiers: ClinVar variation 3060585 (VCV003060585.2), dbSNP rs4954672, ClinGen allele CA1894110.

ClinVar aggregate classification (germline): Benign (0 of 4 stars; one submission).

Conditions:
LRP1B-related disorder. Also called: LRP1B-related condition.

Allele frequency attached by ClinVar (database versions not stated): 1000 Genomes Project 0.64237; 1000 Genomes Project 30x 0.65178; ExAC 0.71500; gnomAD 0.72301; TOPMed 0.73031; gnomAD exomes 0.73546; ESP Exome Variant Server 0.74669.
gnomAD v4.1: 1,156,282 of 1,574,446 alleles (73%); highest among the groups gnomAD compares: Middle Eastern, 84%; 428,918 homozygotes.

Submission:

PreventionGenetics, part of Exact Sciences
Classification: Benign for LRP1B-related condition. Last evaluated: 2019-10-17. Review status: no assertion criteria provided. Collection method: clinical testing. Allele origin: germline.
Comment: This variant is classified as benign based on ACMG/AMP sequence variant interpretation guidelines (Richards et al. 2015 PMID: 25741868, with internal and published modifications).